The following is an entry in ClinVar:

Single allele

Genes: CELA2A (chymotrypsin like elastase 2A; plus strand), CELA2B (chymotrypsin like elastase 2B; plus strand). Cytogenetic location: 1p36.21.
Variant type: Deletion.
Identifiers: ClinVar variation 156730 (VCV000156730.2).

ClinVar aggregate classification (germline): not provided (0 of 4 stars; one submission).

Conditions:
Normal pregnancy. Identifiers: MedGen C0232989.

Submission:

Institute of Molecular and Cell Biology, University of Tartu
No classification provided. Condition: Normal pregnancy. Review status: no classification provided. Collection method: case-control. Allele origin: unknown. Affected: yes. Study: Kasak2014.
Comment: The study aimed to determine the contribution of copy number variants in the genetic etiology of normal and complicated pregnancies. The samples represented (i) maternal blood DNA drawn from healthy pregnant women during 1st or 2nd trimester and (ii) maternal and paternal blood DNA drawn at term pregnancy cases representing normal and complicated gestations (severe preeclampsia, PE; gestational diabetes, GD; small-for-gestational age newborn, SGA; large-for-gestational age newborn, LGA). We performed CNV calling based on genome-wide genotyping dataset (Illumina HumanOmniExpress-24-v1 BeadChip) by applying three algorithms, QuantiSNP, GADA (Genome Alteration Detection Algorithm) and CNstream in parallel. The acquired CNV calls were merged with HD-CNV (Hotspot Detector for Copy Number Variants) program and only the CNVs predicted by at least two programs, were considered in subsequent analysis.

Literature cited by the submitters: PubMed 25666259.